The following is an entry in ClinVar:

NM_178857.6(RP1L1):c.2078G>A (p.Arg693Gln)

Gene: RP1L1 (RP1 like 1). Cytogenetic location: 8p23.1.
Variant type: single nucleotide variant.
Coding change: c.2078G>A on transcript NM_178857.6 (MANE Select); coding-DNA position 2078, G replaced by A.
Protein change: p.Arg693Gln; replaces arginine 693 with glutamine.
Molecular consequence: missense variant.
Genome position (GRCh38, 1-based): chr8:10,612,020, C>T on the plus strand (G>A on the coding strand, the complement: RP1L1 is on the minus strand). VCF-style: chr8-10612020-C-T. GRCh37 (hg19) VCF-style: chr8-10469530-C-T.
Other names: short protein forms R693Q.
Identifiers: ClinVar variation 2603028 (VCV002603028.4), dbSNP rs201625937, ClinGen allele CA4624945.

ClinVar aggregate classification (germline): Uncertain significance. Review status: criteria provided, multiple submitters, no conflicts (2 of 4 stars). 2 submissions from 2 submitters: Uncertain significance (2). Last evaluated 2026-09-18.

Conditions:
RP1L1-related disorder. Also called: RP1L1-related condition.
Inborn genetic diseases. Identifiers: MedGen C0950123, MeSH D030342.

Allele frequency attached by ClinVar (database versions not stated): ExAC 0.00003; ESP Exome Variant Server 0.00008; gnomAD 0.00009; TOPMed 0.00009.
gnomAD v4.1: 89 of 1,613,770 alleles (0.0055%); highest among the groups gnomAD compares: Admixed American, 0.027%; no homozygotes.

Submissions (2):

PreventionGenetics, part of Exact Sciences
Classification: Uncertain significance for RP1L1-related condition. Last evaluated: 2026-09-18. Review status: criteria provided, single submitter. Criteria: ACMG Guidelines, 2015. Collection method: clinical testing. Allele origin: germline.
Comment: The RP1L1 c.2078G>A variant is predicted to result in the amino acid substitution p.Arg693Gln. To our knowledge, this variant has not been reported in the literature. This variant is present in 0.020% of alleles in individuals of Latino descent in gnomAD. At this time, the clinical significance of this variant is uncertain due to the absence of conclusive functional and genetic evidence.

Ambry Genetics
Classification: Uncertain significance for Inborn genetic diseases. Last evaluated: 2025-11-10. Review status: criteria provided, single submitter. Criteria: Ambry Variant Classification Scheme 2023. Collection method: clinical testing. Allele origin: germline.